The following is an entry in ClinVar:

ClinVar aggregate classification (germline): Uncertain significance (1 of 4 stars; one submission).

Conditions:
Inborn genetic diseases. Identifiers: MedGen C0950123, MeSH D030342.

gnomAD v4.1: 14 of 1,612,032 alleles (0.00087%); highest among the groups gnomAD compares: African/African-American, 0.0013%; no homozygotes.

Submission:

Ambry Genetics
Classification: Uncertain significance for Inborn genetic diseases. Last evaluated: 2025-01-17. Review status: criteria provided, single submitter. Criteria: Ambry Variant Classification Scheme 2023. Collection method: clinical testing. Allele origin: germline.
Comment: The p.S870P variant (also known as c.2608T>C), located in coding exon 11 of the MECOM gene, results from a T to C substitution at nucleotide position 2608. The serine at codon 870 is replaced by proline, an amino acid with similar properties. This amino acid position is conserved. In addition, the in silico prediction for this alteration is inconclusive. Based on the available evidence, the clinical significance of this variant remains unclear.

NM_004991.4(MECOM):c.2608T>C (p.Ser870Pro)

Gene: MECOM (MDS1 and EVI1 complex locus; minus strand). Cytogenetic location: 3q26.2.
Variant type: single nucleotide variant.
Coding change: c.2608T>C on transcript NM_004991.4 (MANE Select); coding-DNA position 2608, T replaced by C.
Protein change: p.Ser870Pro; replaces serine 870 with proline.
Molecular consequence: missense variant.
Genome position (GRCh38, 1-based): chr3:169,102,223, A>G on the plus strand (T>C on the coding strand, the complement: MECOM is on the minus strand). VCF-style: chr3-169102223-A-G. GRCh37 (hg19) VCF-style: chr3-168820011-A-G.
Other names: c.2239T>C, p.Ser747Pro (NM_001105077.4); c.2044T>C, p.Ser682Pro (NM_001105078.4, NM_001205194.2, NM_001366469.2 and 1 more transcripts); c.2020T>C, p.Ser674Pro (NM_001163999.2, NM_001366470.2); c.2017T>C, p.Ser673Pro (NM_001164000.2, NM_001366471.2, NM_001366472.2); c.2581T>C, p.Ser861Pro (NM_001366466.2); c.2047T>C, p.Ser683Pro (NM_001366467.2, NM_001366468.2); c.1609T>C, p.Ser537Pro (NM_001366473.2); c.1045T>C, p.Ser349Pro (NM_001366474.2); short protein forms S673P, S537P, S682P, S683P, S747P, S349P, S870P, S674P.
Identifiers: ClinVar variation 3871720 (VCV003871720.1).
Genomic context (GRCh38, chr3:169,102,223, plus strand): 5'-TGGCCTCAGGTTTCAGGGCACTGAAGCTCTCTAGCTTTTCTGCCATGTTTTCAATAGCTG[A>G]CATCTGAAAGGTAAAAGCACAAGACCATGAAGCGTTTGGCATCTTGTCTTCTATAATAAT-3'
Protein context (NP_004982.2, residues 860-880): FQLPDQRTWM[Ser870Pro]AIENMAEKLE